The following is an entry in ClinVar:

ClinVar aggregate classification (germline): Likely benign (1 of 4 stars; one submission).

Submission:

CeGaT Center for Human Genetics Tuebingen
Classification: Likely benign. Last evaluated: 2026-10-01. Review status: criteria provided, single submitter. Criteria: CeGaT Center For Human Genetics Tuebingen Variant Classification Criteria Version 2. Collection method: clinical testing. Allele origin: germline. Affected: yes. Observed: 5 variant alleles.
Comment: KCNQ1OT1: BS1

NM_000218.3(KCNQ1):c.1393+31368_1393+31369del

Genes: KCNQ1 (potassium voltage-gated channel subfamily Q member 1; plus strand), KCNQ1OT1 (KCNQ1 opposite strand/antisense transcript 1; minus strand). Cytogenetic location: 11p15.5.
Variant type: Deletion.
Coding change: c.1393+31368_1393+31369del on transcript NM_000218.3 (MANE Select); bases 31368 to 31369 of the intron after coding-DNA position 1393, 2 bases deleted (TT; older notation c.1393+31368_1393+31369delTT).
Molecular consequence: intron variant. On other transcripts: non-coding transcript variant (1).
Genome position (GRCh38, 1-based): chr11:2,620,222-2,620,223, TT deleted; deleting any 2 consecutive bases within chr11:2,620,212-2,620,223 gives the same sequence; the c. name uses the placement nearest the transcript's 3' end. VCF-style (leftmost placement, unchanged base first): chr11-2620211-ATT-A. GRCh37 (hg19) VCF-style: chr11-2641441-ATT-A.
Other names: c.1123+31368_1123+31369del (NM_001406837.1); c.1297+31368_1297+31369del (NM_001406836.1); c.853+31368_853+31369del (NM_001406838.1); c.1012+31368_1012+31369del (NM_181798.2).
Identifiers: ClinVar variation 3390342 (VCV003390342.14).